The following is an entry in ClinVar:

ClinVar aggregate classification (germline): Likely benign (1 of 4 stars; one submission).

Submission:

Women's Health and Genetics/Laboratory Corporation of America, LabCorp
Classification: Likely benign. Last evaluated: 2023-10-30. Review status: criteria provided, single submitter. Criteria: LabCorp Variant Classification Summary - May 2015. Collection method: clinical testing. Allele origin: germline.
Comment: Variant summary: CHD3 c.1344G>A alters a non-conserved nucleotide resulting in a synonymous change. Consensus agreement among computation tools predict no significant impact on normal splicing. However, these predictions have yet to be confirmed by functional studies. The variant allele was found at a frequency of 4e-06 in 251384 control chromosomes. The available data on variant occurrences in the general population are insufficient to allow any conclusion about variant significance. To our knowledge, no occurrence of c.1344G>A in individuals affected with Snijders Blok-Campeau Syndrome and no experimental evidence demonstrating its impact on protein function have been reported. No submitters have cited clinical-significance assessments for this variant to ClinVar after 2014. Based on the evidence outlined above, the variant was classified as likely benign.

NM_001005273.3(CHD3):c.1344G>A (p.Glu448=)

Gene: CHD3 (chromodomain helicase DNA binding protein 3; plus strand). Cytogenetic location: 17p13.1.
Variant type: single nucleotide variant.
Coding change: c.1344G>A on transcript NM_001005273.3 (MANE Select); coding-DNA position 1344, G replaced by A.
Protein change: p.Glu448=; no amino-acid change (glutamic acid 448 retained).
Molecular consequence: synonymous variant.
Genome position (GRCh38, 1-based): chr17:7,894,991, G>A. VCF-style: chr17-7894991-G-A. GRCh37 (hg19) VCF-style: chr17-7798309-G-A.
Other names: c.1521G>A, p.Glu507= (NM_001005271.3); c.1344G>A, p.Glu448= (NM_005852.4).
Identifiers: ClinVar variation 2637541 (VCV002637541.1), dbSNP rs1303904219, ClinGen allele CA497950357.